The following is an entry in ClinVar:

ClinVar aggregate classification (germline): Uncertain significance (1 of 4 stars; one submission).

Submission:

Women's Health and Genetics/Laboratory Corporation of America, LabCorp
Classification: Uncertain significance. Last evaluated: 2022-04-18. Review status: criteria provided, single submitter. Criteria: LabCorp Variant Classification Summary - May 2015. Collection method: clinical testing. Allele origin: germline.
Comment: Variant summary: KMT2C c.2671C>A (p.Pro891Thr) results in a non-conservative amino acid change in the encoded protein sequence. Four of five in-silico tools predict a damaging effect of the variant on protein function. The variant was absent in 248874 control chromosomes. The available data on variant occurrences in the general population are insufficient to allow any conclusion about variant significance. To our knowledge, no occurrence of c.2671C>A in individuals affected with Kleefstra Syndrome 2 and no experimental evidence demonstrating its impact on protein function have been reported. No clinical diagnostic laboratories have submitted clinical-significance assessments for this variant to ClinVar after 2014. Based on the evidence outlined above, the variant was classified as uncertain significance.

NM_170606.3(KMT2C):c.2671C>A (p.Pro891Thr)

Gene: KMT2C (lysine methyltransferase 2C; minus strand). Cytogenetic location: 7q36.1.
Variant type: single nucleotide variant.
Coding change: c.2671C>A on transcript NM_170606.3 (MANE Select); coding-DNA position 2671, C replaced by A.
Protein change: p.Pro891Thr; replaces proline 891 with threonine.
Molecular consequence: missense variant.
Genome position (GRCh38, 1-based): chr7:152,235,915, G>T on the plus strand (C>A on the coding strand, the complement: KMT2C is on the minus strand). VCF-style: chr7-152235915-G-T. GRCh37 (hg19) VCF-style: chr7-151933000-G-T.
Other names: short protein forms P891T.
Identifiers: ClinVar variation 1683406 (VCV001683406.1), dbSNP rs2095262954, ClinGen allele CA370112493.